The following is an entry in ClinVar:

ClinVar aggregate classification (germline): Conflicting classifications of pathogenicity. Review status: criteria provided, conflicting classifications (1 of 4 stars). 5 submissions from 5 submitters: Uncertain significance (1); Likely benign (4). Last evaluated 2024-08-13.

Conditions:
Hypertrophic cardiomyopathy 3. Also called: TPM1-Related Familial Hypertrophic Cardiomyopathy. Identifiers: MedGen C1861863, MONDO:0007267, OMIM 115196.
Dilated cardiomyopathy 1Y (CMD1Y). Identifiers: Orphanet 154, Orphanet 54260, MedGen C2678476, MONDO:0012744, OMIM 611878.
Hypertrophic cardiomyopathy. Also called: HYPERTROPHIC MYOCARDIOPATHY. Identifiers: Orphanet 217569, MedGen C0007194, MeSH D002312, MONDO:0005045, HP:0001639.
Cardiovascular phenotype. Identifiers: MedGen CN230736.
Cardiomyopathy (CMYO). Also called: Cardiomyopathies. Identifiers: Orphanet 167848, MedGen C0878544, MONDO:0004994, HP:0001638. Inheritance: Various modes of inheritance.

Allele frequency attached by ClinVar (database versions not stated): gnomAD 0.00001; ExAC 0.00002.
gnomAD v4.1: 16 of 1,605,728 alleles (0.001%); highest among the groups gnomAD compares: South Asian, 0.0044%; no homozygotes.

Submissions (5):

All of Us Research Program, National Institutes of Health
Classification: Likely benign for Hypertrophic cardiomyopathy. Last evaluated: 2024-08-13. Review status: criteria provided, single submitter. Criteria: ACMG Guidelines, 2015. Collection method: clinical testing. Allele origin: germline. Inheritance: Autosomal dominant inheritance. Observed: 6 variant alleles, 6 heterozygotes.
Comment: This study involves interpretation of variants in research participants for the purpose of population health screening. Participant phenotype was not available at the time of variant classification. Additional details can be found in publication PMID: 35346344, PMCID: PMC8962531

Ambry Genetics
Classification: Uncertain significance for Cardiovascular phenotype. Last evaluated: 2023-01-17. Review status: criteria provided, single submitter. Criteria: Ambry Variant Classification Scheme 2023. Collection method: clinical testing. Allele origin: germline.
Comment: The c.852-5C>T intronic variant results from a C to T substitution 5 nucleotides upstream from coding exon 10 in the TPM1 gene. This nucleotide position is poorly conserved in available vertebrate species. In silico splice site analysis predicts that this alteration will not have any significant effect on splicing. Since supporting evidence is limited at this time, the clinical significance of this alteration remains unclear.

Color Diagnostics, LLC DBA Color Health
Classification: Likely benign for Cardiomyopathy. Last evaluated: 2021-11-01. Review status: criteria provided, single submitter. Criteria: ACMG Guidelines, 2015. Collection method: clinical testing. Allele origin: germline.

Fulgent Genetics
Classification: Likely benign for Hypertrophic cardiomyopathy 3; Dilated cardiomyopathy 1Y. Last evaluated: 2021-09-10. Review status: criteria provided, single submitter. Criteria: ACMG Guidelines, 2015. Collection method: clinical testing. Allele origin: unknown.

Labcorp Genetics (formerly Invitae), Labcorp
Classification: Likely benign for Hypertrophic cardiomyopathy. Last evaluated: 2021-01-21. Review status: criteria provided, single submitter. Criteria: Invitae Variant Classification Sherloc (09022015). Collection method: clinical testing. Allele origin: germline.

NM_001018005.2(TPM1):c.852-5C>T

Gene: TPM1 (tropomyosin 1; plus strand). Cytogenetic location: 15q22.2.
Variant type: single nucleotide variant.
Coding change: c.852-5C>T on transcript NM_001018005.2 (MANE Select); 5 bases into the intron before coding-DNA position 852, C replaced by T.
Molecular consequence: intron variant. On other transcripts: 3 prime UTR variant (2).
Genome position (GRCh38, 1-based): chr15:63,065,891, C>T. VCF-style: chr15-63065891-C-T. GRCh37 (hg19) VCF-style: chr15-63358090-C-T.
Other names: c.*1745C>T (NM_001365781.2, NM_001365782.1); c.898+3246C>T (NM_001365778.1); c.772+3246C>T (NM_001018020.2, NM_001018007.2, NM_001018006.2 and 2 more transcripts); c.852-5C>T (NM_001301244.2); c.*45-5C>T (NM_000366.6, NM_001365779.1); c.773-5C>T (NM_001365777.1); c.664+3246C>T (NM_001330351.2, NM_001330344.2, NM_001018008.2 and 1 more transcripts); c.744-5C>T (NM_001330346.2); and 1 more.
Identifiers: ClinVar variation 1111156 (VCV001111156.16), dbSNP rs766724527, ClinGen allele CA032833.